The following is an entry in ClinVar:

ClinVar aggregate classification (germline): Uncertain significance (1 of 4 stars; one submission).

gnomAD v4.1: 2 of 1,614,070 alleles (0.00012%); highest among the groups gnomAD compares: Middle Eastern, 0.017%; no homozygotes.

Submission:

CeGaT Center for Human Genetics Tuebingen
Classification: Uncertain significance. Last evaluated: 2022-10-01. Review status: criteria provided, single submitter. Criteria: CeGaT Center For Human Genetics Tuebingen Variant Classification Criteria Version 2. Collection method: clinical testing. Allele origin: germline. Affected: yes. Observed: 1 variant allele.
Comment: UPK3A: PM2, PM3:Supporting

NM_006953.4(UPK3A):c.760G>C (p.Ala254Pro)

Gene: UPK3A (uroplakin 3A; plus strand). Cytogenetic location: 22q13.31.
Variant type: single nucleotide variant.
Coding change: c.760G>C on transcript NM_006953.4 (MANE Select); coding-DNA position 760, G replaced by C.
Protein change: p.Ala254Pro; replaces alanine 254 with proline.
Molecular consequence: missense variant.
Genome position (GRCh38, 1-based): chr22:45,295,615, G>C. VCF-style: chr22-45295615-G-C. GRCh37 (hg19) VCF-style: chr22-45691496-G-C.
Other names: c.397G>C, p.Ala133Pro (NM_001167574.2); short protein forms A133P, A254P.
Identifiers: ClinVar variation 2653283 (VCV002653283.24), dbSNP rs1601851773, ClinGen allele CA411879960.
Genomic context (GRCh38, chr22:45,295,615, plus strand): 5'-GACAGGGACATGGGGAGTTCTGATGGGGAAACGACTCACGACTCCCAAATCACTCAGGAG[G>C]CTGTTCCCAAGTCGCTGGGGGCCTCGGAGTCTTCCTACACGTCCGTGAACCGGGGGCCGC-3'
Protein context (NP_008884.1, residues 244-264): TTHDSQITQE[Ala254Pro]VPKSLGASES